The following is an entry in ClinVar:

ClinVar aggregate classification (germline): Uncertain significance (1 of 4 stars; one submission).

Conditions:
Snijders Blok-Campeau syndrome. Also called: INTELLECTUAL DEVELOPMENTAL DISORDER WITH MACROCEPHALY, SPEECH DELAY, AND DYSMORPHIC FACIES. Identifiers: Orphanet 599082, MedGen C4748701, MONDO:0032600, OMIM 618205.

Submission:

3billion
Classification: Uncertain significance for Snijders Blok-Campeau syndrome. Last evaluated: 2024-02-05. Review status: criteria provided, single submitter. Criteria: ACMG Guidelines, 2015. Collection method: clinical testing. Allele origin: germline. Affected: yes.
Comment: The variant is not observed in the gnomAD v2.1.1 dataset. Predicted Consequence/Location: Missense changes are a common disease-causing mechanism. In silico tool predictions suggest damaging effect of the variant on gene or gene product [3Cnet: 0.99 (>=0.6, sensitivity 0.72 and precision 0.9)]. Therefore, this variant is classified as VUS according to the recommendation of ACMG/AMP guideline.

NM_001005273.3(CHD3):c.2932G>A (p.Ala978Thr)

Gene: CHD3 (chromodomain helicase DNA binding protein 3; plus strand). Cytogenetic location: 17p13.1.
Variant type: single nucleotide variant.
Coding change: c.2932G>A on transcript NM_001005273.3 (MANE Select); coding-DNA position 2932, G replaced by A.
Protein change: p.Ala978Thr; replaces alanine 978 with threonine.
Molecular consequence: missense variant.
Genome position (GRCh38, 1-based): chr17:7,900,685, G>A. VCF-style: chr17-7900685-G-A. GRCh37 (hg19) VCF-style: chr17-7804003-G-A.
Other names: c.3109G>A, p.Ala1037Thr (NM_001005271.3); c.2932G>A, p.Ala978Thr (NM_005852.4); short protein forms A1037T, A978T.
Identifiers: ClinVar variation 3775619 (VCV003775619.1).